The following is an entry in ClinVar:

NM_001382391.1(CSPP1):c.3645T>G (p.Thr1215=)

Genes: ARFGEF1 (ARF guanine nucleotide exchange factor 1; minus strand), CSPP1 (centrosome and spindle pole associated protein 1; plus strand). Cytogenetic location: 8q13.2.
Variant type: single nucleotide variant.
Coding change: c.3645T>G on transcript NM_001382391.1 (MANE Select); coding-DNA position 3645, T replaced by G.
Protein change: p.Thr1215=; no amino-acid change (threonine 1215 retained).
Molecular consequence: synonymous variant. On other transcripts: 3 prime UTR variant (1), intron variant (2).
Genome position (GRCh38, 1-based): chr8:67,195,557, T>G. VCF-style: chr8-67195557-T-G. GRCh37 (hg19) VCF-style: chr8-68107792-T-G.
Other names: c.3477T>G, p.Thr1159= (NM_001438330.1); c.*137T>G (NM_001438331.1); c.2946T>G, p.Thr982= (NM_001438332.1); c.3630T>G, p.Thr1210= (NM_024790.7); c.5367+4839A>C (NM_001413186.1); c.5385+4839A>C (NM_001413187.1); c.2595T>G, p.Thr865= (NM_001291339.2); c.3564T>G, p.Thr1188= (NM_001363131.2); and 4 more.
Identifiers: ClinVar variation 1594491 (VCV001594491.9), dbSNP rs749332092, ClinGen allele CA4771233.

ClinVar aggregate classification (germline): Likely benign. Review status: criteria provided, multiple submitters, no conflicts (2 of 4 stars). 3 submissions from 3 submitters: Likely benign (3). Last evaluated 2026-07-01.

Conditions:
Joubert syndrome 21 (JBTS21). Identifiers: MedGen C3810212, MONDO:0014288, OMIM 615636.

Allele frequency attached by ClinVar (database versions not stated): gnomAD exomes 0.00001 and 0.00002; TOPMed 0.00003; ExAC 0.00002; gnomAD 0.00002.
gnomAD v4.1: 10 of 1,614,090 alleles (0.00062%); highest among the groups gnomAD compares: Admixed American, 0.017%; no homozygotes.

Submissions (3):

CeGaT Center for Human Genetics Tuebingen
Classification: Likely benign. Last evaluated: 2026-07-01. Review status: criteria provided, single submitter. Criteria: CeGaT Center For Human Genetics Tuebingen Variant Classification Criteria Version 2. Collection method: clinical testing. Allele origin: germline. Affected: yes. Observed: 1 variant allele.
Comment: CSPP1: BP4, BP7

Labcorp Genetics (formerly Invitae), Labcorp
Classification: Likely benign for Joubert syndrome 21. Last evaluated: 2024-05-15. Review status: criteria provided, single submitter. Criteria: Invitae Variant Classification Sherloc (09022015). Collection method: clinical testing. Allele origin: germline.

Fulgent Genetics
Classification: Likely benign for Joubert syndrome 21. Last evaluated: 2021-12-09. Review status: criteria provided, single submitter. Criteria: ACMG Guidelines, 2015. Collection method: clinical testing. Allele origin: unknown.